The following is an entry in ClinVar:

NM_203447.4(DOCK8):c.5223+1del

Gene: DOCK8 (dedicator of cytokinesis 8; plus strand). Cytogenetic location: 9p24.3.
Variant type: Deletion.
Coding change: c.5223+1del on transcript NM_203447.4 (MANE Select); the canonical splice donor site of the intron after coding-DNA position 5223, one base deleted (G; older notation c.5223+1delG).
Molecular consequence: splice donor variant.
Genome position (GRCh38, 1-based): chr9:439,389, G deleted; the last of 2 consecutive G bases (chr9:439,388-439,389); deleting either gives the same sequence. VCF-style (leftmost placement, unchanged base first): chr9-439387-CG-C. GRCh37 (hg19) VCF-style: chr9-439387-CG-C.
Other names: c.5019+1del (NM_001193536.2); c.4923+1del (NM_001190458.2).
Identifiers: ClinVar variation 1509921 (VCV001509921.6), dbSNP rs2131795370, ClinGen allele CA2573144462.

ClinVar aggregate classification (germline): Likely pathogenic (1 of 4 stars; one submission).

Conditions:
Combined immunodeficiency due to DOCK8 deficiency (HIES2). Also called: Hyper-IgE recurrent infection syndrome, autosomal recessive; HIES autosomal recessive; DOCK8 Deficiency; HYPER-IgE RECURRENT INFECTION SYNDROME 2, AUTOSOMAL RECESSIVE; HYPER-IgE SYNDROME 2, AUTOSOMAL RECESSIVE, WITH RECURRENT INFECTIONS. Identifiers: Orphanet 217390, MedGen C4722305, MONDO:0009478, OMIM 243700.

Submission:

Labcorp Genetics (formerly Invitae), Labcorp
Classification: Likely pathogenic for Combined immunodeficiency due to DOCK8 deficiency. Last evaluated: 2022-08-19. Review status: criteria provided, single submitter. Criteria: Invitae Variant Classification Sherloc (09022015). Collection method: clinical testing. Allele origin: germline.
Comment: This sequence change affects a splice site in intron 40 of the DOCK8 gene. It is expected to disrupt RNA splicing. Variants that disrupt the donor or acceptor splice site typically lead to a loss of protein function (PMID: 16199547), and loss-of-function variants in DOCK8 are known to be pathogenic (PMID: 14722525, 19776401). This variant is not present in population databases (gnomAD no frequency). In summary, the currently available evidence indicates that the variant is pathogenic, but additional data are needed to prove that conclusively. Therefore, this variant has been classified as Likely Pathogenic. Algorithms developed to predict the effect of sequence changes on RNA splicing suggest that this variant may disrupt the consensus splice site. ClinVar contains an entry for this variant (Variation ID: 1509921). This variant has not been reported in the literature in individuals affected with DOCK8-related conditions.

Literature cited by the submitters: PubMed 16199547; PubMed 14722525; PubMed 19776401.